The following is an entry in ClinVar:

NM_001077350.3(NPRL3):c.341del (p.Pro114fs)

Genes: HBA-LCR (alpha-globin locus control region; plus strand), NPRL3 (NPR3 like, GATOR1 complex subunit; minus strand). Cytogenetic location: 16p13.3.
Variant type: Deletion.
Coding change: c.341del on transcript NM_001077350.3 (MANE Select); coding-DNA position 341, one base deleted (C; older notation c.341delC).
Protein change: p.Pro114fs; shifts the reading frame from proline 114.
Molecular consequence: frameshift variant. On other transcripts: intron variant (3).
Genome position (GRCh38, 1-based): chr16:117,353, G deleted on the plus strand (C on the coding strand, the reverse complement: NPRL3 is on the minus strand); the first of 4 consecutive G bases (chr16:117,353-117,356); deleting any one gives the same sequence. VCF-style (leftmost placement, unchanged base first): chr16-117352-CG-C. GRCh37 (hg19) VCF-style: chr16-167351-CG-C.
Other names: c.107del, p.Pro36fs (NM_001243247.2); c.318+1773del (NM_001243248.2, NM_001243249.2); c.-144-4578del (NM_001039476.3); c.341delC (NM_001077350.2); short protein forms P36fs, P114fs.
Identifiers: ClinVar variation 648035 (VCV000648035.7), dbSNP rs1596526976, ClinGen allele CA915946186.

ClinVar aggregate classification (germline): Pathogenic (1 of 4 stars; one submission).

Conditions:
Epilepsy, familial focal, with variable foci 3 (FFEVF3). Identifiers: MedGen C4310708, MONDO:0014925, OMIM 617118.

Submission:

Labcorp Genetics (formerly Invitae), Labcorp
Classification: Pathogenic for Epilepsy, familial focal, with variable foci 3. Last evaluated: 2024-09-15. Review status: criteria provided, single submitter. Criteria: Invitae Variant Classification Sherloc (09022015). Collection method: clinical testing. Allele origin: germline.
Comment: This sequence change creates a premature translational stop signal (p.Pro114Argfs*8) in the NPRL3 gene. It is expected to result in an absent or disrupted protein product. Loss-of-function variants in NPRL3 are known to be pathogenic (PMID: 26285051, 26505888). This variant is not present in population databases (gnomAD no frequency). This premature translational stop signal has been observed in individual(s) with epilepsy (PMID: 31440721). ClinVar contains an entry for this variant (Variation ID: 648035). For these reasons, this variant has been classified as Pathogenic.

Literature cited by the submitters: PubMed 26285051; PubMed 26505888; PubMed 31440721.